The following is an entry in ClinVar:

ClinVar aggregate classification (germline): Benign. Review status: criteria provided, multiple submitters, no conflicts (2 of 4 stars). 4 submissions from 4 submitters: Benign (3). 1 of the submissions does not count toward it. Last evaluated 2026-02-03.

Conditions:
Atrial fibrillation, familial, 18 (ATFB18). Identifiers: MedGen C4310636, MONDO:0015001, OMIM 617280.
MYL4-related disorder. Also called: MYL4-related condition.

Allele frequency attached by ClinVar (database versions not stated): gnomAD exomes 0.00146 and 0.00409; ExAC 0.00521; gnomAD 0.01574 and 0.01669; TOPMed 0.01745; ESP Exome Variant Server 0.01791; 1000 Genomes Project 0.02256; 1000 Genomes Project 30x 0.02358.
gnomAD v4.1: 4,627 of 1,611,708 alleles (0.29%); highest among the groups gnomAD compares: African/African-American, 5.5%; 121 homozygotes.

Submissions (4):

Labcorp Genetics (formerly Invitae), Labcorp
Classification: Benign for Atrial fibrillation, familial, 18. Last evaluated: 2026-02-03. Review status: criteria provided, single submitter. Criteria: Invitae Variant Classification Sherloc (09022015). Collection method: clinical testing. Allele origin: germline.

GeneDx
Classification: Benign. Last evaluated: 2018-10-16. Review status: criteria provided, single submitter. Criteria: GeneDx Variant Classification Process June 2021. Collection method: clinical testing. Allele origin: germline. Affected: yes.

Breakthrough Genomics
Classification: Benign. Review status: criteria provided, single submitter. Criteria: ACMG Guidelines, 2015. Collection method: not provided. Allele origin: germline. Inheritance: Autosomal dominant inheritance. Affected: yes.

PreventionGenetics, part of Exact Sciences
Classification: Benign for MYL4-related condition. Last evaluated: 2019-06-28. Review status: no assertion criteria provided. Collection method: clinical testing. Allele origin: germline. Not counted in ClinVar's aggregate classification.
Comment: This variant is classified as benign based on ACMG/AMP sequence variant interpretation guidelines (Richards et al. 2015 PMID: 25741868, with internal and published modifications).

NM_002476.2(MYL4):c.314-4G>A

Gene: MYL4 (myosin light chain 4; plus strand). Cytogenetic location: 17q21.32.
Variant type: single nucleotide variant.
Coding change: c.314-4G>A on transcript NM_002476.2 (MANE Select); 4 bases into the intron before coding-DNA position 314, G replaced by A.
Molecular consequence: intron variant.
Genome position (GRCh38, 1-based): chr17:47,221,678, G>A. VCF-style: chr17-47221678-G-A. GRCh37 (hg19) VCF-style: chr17-45299044-G-A.
Other names: c.314-4G>A (NM_001002841.2).
Identifiers: ClinVar variation 476202 (VCV000476202.17), dbSNP rs114024716, ClinGen allele CA8622715.